The following is an entry in ClinVar:

ClinVar aggregate classification (germline): Benign (0 of 4 stars; one submission).

Conditions:
ATRN-related disorder. Also called: ATRN-related condition.

Submission:

PreventionGenetics, part of Exact Sciences
Classification: Benign for ATRN-related condition. Last evaluated: 2024-07-30. Review status: no assertion criteria provided. Collection method: clinical testing. Allele origin: germline.
Comment: This variant is classified as benign based on ACMG/AMP sequence variant interpretation guidelines (Richards et al. 2015 PMID: 25741868, with internal and published modifications).

NM_139321.3(ATRN):c.251CGG[5] (p.Ala89del)

Genes: ATRN (attractin; plus strand), LOC130065331 (ATAC-STARR-seq lymphoblastoid silent region 12621; plus strand). Cytogenetic location: 20p13.
Variant type: Microsatellite.
Coding change: c.251CGG[5] on transcript NM_139321.3 (MANE Select); five copies in a row of the 3-base unit CGG starting at c.251; the reference has six copies in a row; one copy, 3 bases deleted.
Protein change: p.Ala89del; deletes alanine 89.
Molecular consequence: inframe deletion. On other transcripts: intron variant (1).
Genome position (GRCh38, 1-based): chr20:3,471,373-3,471,375, CGG deleted; deleting any 3 consecutive bases within chr20:3,471,357-3,471,375 gives the same sequence; the position shown is the placement nearest the transcript's 3' end. VCF-style (leftmost placement, unchanged base first): chr20-3471356-CGCG-C. GRCh37 (hg19) VCF-style: chr20-3452003-CGCG-C.
Other names: c.251CGG[5], p.Ala89del (NM_001323332.2, NM_139322.4); c.62+223GCG[5] (NM_001207047.3); short protein forms A89del.
Identifiers: ClinVar variation 3347168 (VCV003347168.1).